The following is an entry in ClinVar:

ClinVar aggregate classification (germline): Uncertain significance (1 of 4 stars; one submission).

Conditions:
Cardiovascular phenotype. Identifiers: MedGen CN230736.

gnomAD v4.1: 2 of 1,613,492 alleles (0.00012%); highest among the groups gnomAD compares: African/African-American, 0.0027%; no homozygotes.

Submission:

Ambry Genetics
Classification: Uncertain significance for Cardiovascular phenotype. Last evaluated: 2020-03-17. Review status: criteria provided, single submitter. Criteria: Ambry Variant Classification Scheme 2023. Collection method: clinical testing. Allele origin: germline.
Comment: The p.L530V variant (also known as c.1588C>G), located in coding exon 8 of the MYPN gene, results from a C to G substitution at nucleotide position 1588. The leucine at codon 530 is replaced by valine, an amino acid with highly similar properties. This amino acid position is highly conserved in available vertebrate species. In addition, the in silico prediction for this alteration is inconclusive. Since supporting evidence is limited at this time, the clinical significance of this alteration remains unclear.

NM_032578.4(MYPN):c.1588C>G (p.Leu530Val)

Gene: MYPN (myopalladin; plus strand). Cytogenetic location: 10q21.3.
Variant type: single nucleotide variant.
Coding change: c.1588C>G on transcript NM_032578.4 (MANE Select); coding-DNA position 1588, C replaced by G.
Protein change: p.Leu530Val; replaces leucine 530 with valine.
Molecular consequence: missense variant. On other transcripts: non-coding transcript variant (2).
Genome position (GRCh38, 1-based): chr10:68,165,806, C>G. VCF-style: chr10-68165806-C-G. GRCh37 (hg19) VCF-style: chr10-69925563-C-G.
Other names: c.1588C>G, p.Leu530Val (NM_001256267.2); c.706C>G, p.Leu236Val (NM_001256268.2); short protein forms L236V, L530V.
Identifiers: ClinVar variation 1775843 (VCV001775843.2), dbSNP rs1243443520, ClinGen allele CA376838498.